The following is an entry in ClinVar:

NC_000013.10:g.(111138184_111141791)_(111156612_111158761)del

Gene: COL4A2 (collagen type IV alpha 2 chain; plus strand). Cytogenetic location: 13q34.
Variant type: Deletion.
Identifiers: ClinVar variation 3339986 (VCV003339986.1).

ClinVar aggregate classification (germline): Pathogenic (1 of 4 stars; one submission).

Conditions:
Brain small vessel disease 2A, autosomal dominant. Also called: Porencephaly 2. Identifiers: Orphanet 2940, Orphanet 99810, MedGen C3280970, MONDO:0013773, OMIM 614483.

Submission:

Women's Health and Genetics/Laboratory Corporation of America, LabCorp
Classification: Pathogenic for Brain small vessel disease 2A, autosomal dominant. Last evaluated: 2024-06-19. Review status: criteria provided, single submitter. Criteria: LabCorp Variant Classification Summary - May 2015. Collection method: clinical testing. Allele origin: germline.
Comment: Variant summary: The variant involves the deletion of exons 35-45 in the COL4A2 gene. A presumed nomenclature of c.(3207+1_3208-1)_(4402+1_4403-1)del has been designated for the purposes of this classification. This Copy Number Variant (CNV) is expected to alter the reading frame and predicted to result in a truncation or absence of the encoded protein due to nonsense mediated decay (NMD). The variant was absent in 21694 control chromosomes. To our knowledge, no occurrence of c.(3207+1_3208-1)_(4402+1_4403-1)del in individuals affected with Porencephaly 2 and no experimental evidence demonstrating its impact on protein function have been reported. No submitters have cited clinical-significance assessments for this variant to ClinVar. Based on the evidence outlined above, the variant was classified as pathogenic.